The following is an entry in ClinVar:

ClinVar aggregate classification (germline): Benign. Review status: criteria provided, multiple submitters, no conflicts (2 of 4 stars). 6 submissions from 6 submitters: Benign (6). Last evaluated 2026-05-08.

Conditions:
Tall stature-scoliosis-macrodactyly of the great toes syndrome. Also called: Epiphyseal chondrodysplasia, miura type. Identifiers: Orphanet 329191, MedGen C4014690, MONDO:0014401, OMIM 615923.
Acromesomelic dysplasia 1, Maroteaux type (AMD1). Also called: ST. HELENA DYSPLASIA; ACROMESOMELIC DYSPLASIA 1. Identifiers: Orphanet 40, MedGen C1864356, MONDO:0011275, OMIM 602875.

Allele frequency attached by ClinVar (database versions not stated): gnomAD exomes 0.21390 and 0.22901; ExAC 0.23853; gnomAD 0.27700 and 0.28033; ESP Exome Variant Server 0.28823; TOPMed 0.29529; 1000 Genomes Project 0.31350; 1000 Genomes Project 30x 0.31512.
gnomAD v4.1: 355,232 of 1,610,820 alleles (22%); highest among the groups gnomAD compares: African/African-American, 46%; 42,415 homozygotes.

Submissions (6):

Women's Health and Genetics/Laboratory Corporation of America, LabCorp
Classification: Benign. Last evaluated: 2026-05-08. Review status: criteria provided, single submitter. Criteria: LabCorp Variant Classification Summary - May 2015. Collection method: clinical testing. Allele origin: germline.

Labcorp Genetics (formerly Invitae), Labcorp
Classification: Benign for Tall stature-scoliosis-macrodactyly of the great toes syndrome; Acromesomelic dysplasia 1, Maroteaux type. Last evaluated: 2026-02-04. Review status: criteria provided, single submitter. Criteria: Invitae Variant Classification Sherloc (09022015). Collection method: clinical testing. Allele origin: germline.

Blueprint Genetics
Classification: Benign. Last evaluated: 2024-11-27. Review status: criteria provided, single submitter. Criteria: ACMG Guidelines, 2015. Collection method: clinical testing. Allele origin: germline.

GeneDx
Classification: Benign. Last evaluated: 2021-06-09. Review status: criteria provided, single submitter. Criteria: GeneDx Variant Classification Process June 2021. Collection method: clinical testing. Allele origin: germline. Affected: yes.

Illumina Laboratory Services, Illumina
Classification: Benign for Acromesomelic dysplasia 1, Maroteaux type. Last evaluated: 2018-01-13. Review status: criteria provided, single submitter. Criteria: ICSL Variant Classification Criteria 13 December 2019. Collection method: clinical testing. Allele origin: germline.
Comment: This variant was observed in the ICSL laboratory as part of a predisposition screen in an ostensibly healthy population. It had not been previously curated by ICSL or reported in the Human Gene Mutation Database (HGMD: prior to June 1st, 2018), and was therefore a candidate for classification through an automated scoring system. Utilizing variant allele frequency, disease prevalence and penetrance estimates, and inheritance mode, an automated score was calculated to assess if this variant is too frequent to cause the disease. Based on the score and internal cut-off values, a variant classified as benign is not then subjected to further curation. The score for this variant resulted in a classification of benign for this disease.

Breakthrough Genomics
Classification: Benign. Review status: criteria provided, single submitter. Criteria: ACMG Guidelines, 2015. Collection method: not provided. Allele origin: germline. Inheritance: Autosomal recessive inheritance. Affected: yes.

NM_003995.4(NPR2):c.18T>C (p.Leu6=)

Gene: NPR2 (natriuretic peptide receptor 2; plus strand). Cytogenetic location: 9p13.3.
Variant type: single nucleotide variant.
Coding change: c.18T>C on transcript NM_003995.4 (MANE Select); coding-DNA position 18, T replaced by C.
Protein change: p.Leu6=; no amino-acid change (leucine 6 retained).
Molecular consequence: synonymous variant.
Genome position (GRCh38, 1-based): chr9:35,792,426, T>C. VCF-style: chr9-35792426-T-C. GRCh37 (hg19) VCF-style: chr9-35792423-T-C.
Other names: c.18T>C, p.Leu6= (NM_001378923.1).
Identifiers: ClinVar variation 366776 (VCV000366776.17), dbSNP rs2228580, ClinGen allele CA5051390.
Genomic context (GRCh38, chr9:35,792,426, plus strand): 5'-CAGCCCCAAGTTCTGGGGGCGGTGGGGCTGCTGCTTTATCCCCATGGCGCTGCCATCACT[T>C]CTGCTGTTGGTGGCAGCCCTGGCAGGTGGGGTGCGTCCTCCCGGGGCGCGGAACCTGACG-3'
Protein context (NP_003986.2, residues 1-16): MALPS[Leu6=]LLLVAALAGG